The following is an entry in ClinVar:

ClinVar aggregate classification (germline): Pathogenic (1 of 4 stars; one submission).

Conditions:
Hereditary antithrombin deficiency (AT3D). Also called: Antithrombin III deficiency; Thrombophilia due to antithrombin III deficiency; Antithrombin deficiency; Reduced antithrombin III activity. Identifiers: Orphanet 82, MedGen C0272375, MONDO:0013144, OMIM 613118, HP:0001976.

Submission:

Labcorp Genetics (formerly Invitae), Labcorp
Classification: Pathogenic for Hereditary antithrombin deficiency. Last evaluated: 2025-11-20. Review status: criteria provided, single submitter. Criteria: Invitae Variant Classification Sherloc (09022015). Collection method: clinical testing. Allele origin: germline.
Comment: This variant results in the deletion of part of exon 5 (c.763-33_990del) of the SERPINC1 gene. It is expected to disrupt RNA splicing. Variants that disrupt the donor or acceptor splice site typically lead to a loss of protein function (PMID: 16199547), and loss-of-function variants in SERPINC1 are known to be pathogenic (PMID: 21264449). This variant is not present in population databases (gnomAD no frequency). This variant has not been reported in the literature in individuals affected with SERPINC1-related conditions. This variant disrupts a region of the SERPINC1 protein in which other variant(s) (p.Glu269Lys) have been determined to be pathogenic (PMID: 1430264, 10966821, 16973611, 28300866, 29153735, 31157679, 34800304; internal data). This suggests that this is a clinically significant region of the protein, and that variants that disrupt it are likely to be disease-causing. For these reasons, this variant has been classified as Pathogenic.

Literature cited by the submitters: PubMed 16199547; PubMed 21264449; PubMed 1430264; PubMed 10966821; PubMed 16973611; PubMed 28300866; PubMed 29153735; PubMed 31157679; PubMed 34800304.

NM_000488.4(SERPINC1):c.763-33_990del

Gene: SERPINC1 (serpin family C member 1; minus strand). Cytogenetic location: 1q25.1.
Variant type: Deletion.
Coding change: c.763-33_990del on transcript NM_000488.4 (MANE Select); 33 bases into the intron before coding-DNA position 763 through coding-DNA position 990, 261 bases deleted.
Molecular consequence: splice acceptor variant.
Genome position (GRCh38, 1-based): chr1:173,909,715-173,909,975, 261 bases deleted. GRCh37 (hg19): chr1:173,878,856-173,879,116.
Other names: c.844-33_1071del (NM_001386303.1); c.547-33_774del (NM_001386306.1); c.742-33_969del (NM_001386304.1); c.763-90_933del (NM_001386305.1); c.886-33_1113del (NM_001386302.1); c.619-33_846del (NM_001365052.2).
Identifiers: ClinVar variation 4731625 (VCV004731625.1).